The following is an entry in ClinVar:

NM_001330.5(CTF1):c.414C>A (p.Ala138=)

Genes: CTF1 (cardiotrophin 1; plus strand), LOC130058878 (ATAC-STARR-seq lymphoblastoid silent region 7400; plus strand). Cytogenetic location: 16p11.2.
Variant type: single nucleotide variant.
Coding change: c.414C>A on transcript NM_001330.5 (MANE Select); coding-DNA position 414, C replaced by A.
Protein change: p.Ala138=; no amino-acid change (alanine 138 retained).
Molecular consequence: synonymous variant. On other transcripts: non-coding transcript variant (1).
Genome position (GRCh38, 1-based): chr16:30,902,347, C>A. VCF-style: chr16-30902347-C-A. GRCh37 (hg19) VCF-style: chr16-30913668-C-A.
Other names: c.411C>A, p.Ala137= (NM_001142544.3).
Identifiers: ClinVar variation 179780 (VCV000179780.13), dbSNP rs727505121, ClinGen allele CA185116.

ClinVar aggregate classification (germline): Likely benign. Review status: criteria provided, multiple submitters, no conflicts (2 of 4 stars). 2 submissions from 2 submitters: Likely benign (2). Last evaluated 2025-10-29.

Allele frequency attached by ClinVar (database versions not stated): gnomAD 0.00004 and 0.00003; TOPMed 0.00003.
gnomAD v4.1: 18 of 1,127,952 alleles (0.0016%); highest among the groups gnomAD compares: Non-Finnish European, 0.0018%; no homozygotes.

Submissions (2):

Labcorp Genetics (formerly Invitae), Labcorp
Classification: Likely benign. Last evaluated: 2025-10-29. Review status: criteria provided, single submitter. Criteria: Invitae Variant Classification Sherloc (09022015). Collection method: clinical testing. Allele origin: germline.

Laboratory for Molecular Medicine, Mass General Brigham Personalized Medicine
Classification: Likely benign. Last evaluated: 2014-05-28. Review status: criteria provided, single submitter. Criteria: LMM Criteria. Collection method: clinical testing. Allele origin: germline. Observed: 1 variant allele.
Comment: Ala138Ala in exon 3 of CTF1: This variant is not expected to have clinical signi ficance because it does not alter an amino acid residue and is not located withi n the splice consensus sequence.